The following is an entry in ClinVar:

NM_000061.3(BTK):c.1492C>G (p.Leu498Val)

Gene: BTK (Bruton tyrosine kinase; minus strand). Cytogenetic location: Xq22.1.
Variant type: single nucleotide variant.
Coding change: c.1492C>G on transcript NM_000061.3 (MANE Select); coding-DNA position 1492, C replaced by G.
Protein change: p.Leu498Val; replaces leucine 498 with valine.
Molecular consequence: missense variant. On other transcripts: intron variant (1).
Genome position (GRCh38, 1-based): chrX:101,356,126, G>C on the plus strand (C>G on the coding strand, the complement: BTK is on the minus strand). VCF-style: chrX-101356126-G-C. GRCh37 (hg19) VCF-style: chrX-100611114-G-C.
Other names: c.1594C>G, p.Leu532Val (NM_001287344.2); c.1039-1432C>G (NM_001287345.2); short protein forms L498V, L532V.
Identifiers: ClinVar variation 530950 (VCV000530950.10), dbSNP rs1555977807, ClinGen allele CA413923755.

ClinVar aggregate classification (germline): Pathogenic (1 of 4 stars; one submission).

Conditions:
X-linked agammaglobulinemia with growth hormone deficiency (IGHD3). Also called: AGAMMAGLOBULINEMIA AND ISOLATED GROWTH HORMONE DEFICIENCY, X-LINKED; FLEISHER SYNDROME; HYPOGAMMAGLOBULINEMIA AND ISOLATED GROWTH HORMONE DEFICIENCY, X-LINKED; IGHD III; Isolated growth hormone deficiency type 3; Growth hormone deficiency with hypogammaglobulinemia. Identifiers: Orphanet 231692, Orphanet 631, MedGen C0472813, MONDO:0010615, OMIM 307200.

Submission:

Labcorp Genetics (formerly Invitae), Labcorp
Classification: Pathogenic for X-linked agammaglobulinemia with growth hormone deficiency. Last evaluated: 2025-09-02. Review status: criteria provided, single submitter. Criteria: Invitae Variant Classification Sherloc (09022015). Collection method: clinical testing. Allele origin: germline.
Comment: This sequence change replaces leucine, which is neutral and non-polar, with valine, which is neutral and non-polar, at codon 498 of the BTK protein (p.Leu498Val). This variant is not present in population databases (gnomAD no frequency). This missense change has been observed in individuals with agammaglobulinemia (PMID: 12217331, 38046560; internal data). ClinVar contains an entry for this variant (Variation ID: 530950). Invitae Evidence Modeling of protein sequence and biophysical properties (such as structural, functional, and spatial information, amino acid conservation, physicochemical variation, residue mobility, and thermodynamic stability) indicates that this missense variant is expected to disrupt BTK protein function with a positive predictive value of 95%. For these reasons, this variant has been classified as Pathogenic.

Literature cited by the submitters: PubMed 12217331; PubMed 38046560.